The following is an entry in ClinVar:

NM_001256545.2(MEGF10):c.553G>A (p.Gly185Ser)

Gene: MEGF10 (multiple EGF like domains 10; plus strand). Cytogenetic location: 5q23.2.
Variant type: single nucleotide variant.
Coding change: c.553G>A on transcript NM_001256545.2 (MANE Select); coding-DNA position 553, G replaced by A.
Protein change: p.Gly185Ser; replaces glycine 185 with serine.
Molecular consequence: missense variant.
Genome position (GRCh38, 1-based): chr5:127,396,672, G>A. VCF-style: chr5-127396672-G-A. GRCh37 (hg19) VCF-style: chr5-126732364-G-A.
Other names: c.553G>A, p.Gly185Ser (NM_001308119.2, NM_001308121.2, NM_032446.3); c.553G>A (NM_032446.2); short protein forms G185S.
Identifiers: ClinVar variation 644377 (VCV000644377.12), dbSNP rs1479724522, ClinGen allele CA360718612.

ClinVar aggregate classification (germline): Uncertain significance. Review status: criteria provided, multiple submitters, no conflicts (2 of 4 stars). 2 submissions from 2 submitters: Uncertain significance (2). Last evaluated 2025-12-08.

Conditions:
Inborn genetic diseases. Identifiers: MedGen C0950123, MeSH D030342.
MEGF10-related myopathy (CMYO10A). Also called: Congenital myopathy 10A, severe variant. Identifiers: Orphanet 439212, MedGen C3280679, MONDO:0013731, OMIM 614399.

Allele frequency attached by ClinVar (database versions not stated): gnomAD exomes below 0.00001; gnomAD 0.00001; TOPMed 0.00001.
gnomAD v4.1: 3 of 1,613,998 alleles (0.00019%); highest among the groups gnomAD compares: Admixed American, 0.0017%; no homozygotes.

Submissions (2):

Labcorp Genetics (formerly Invitae), Labcorp
Classification: Uncertain significance for MEGF10-related myopathy. Last evaluated: 2025-12-08. Review status: criteria provided, single submitter. Criteria: Invitae Variant Classification Sherloc (09022015). Collection method: clinical testing. Allele origin: germline.
Comment: This sequence change replaces glycine, which is neutral and non-polar, with serine, which is neutral and polar, at codon 185 of the MEGF10 protein (p.Gly185Ser). This variant is not present in population databases (gnomAD no frequency). This variant has not been reported in the literature in individuals affected with MEGF10-related conditions. ClinVar contains an entry for this variant (Variation ID: 644377). Invitae Evidence Modeling of protein sequence and biophysical properties (such as structural, functional, and spatial information, amino acid conservation, physicochemical variation, residue mobility, and thermodynamic stability) indicates that this missense variant is not expected to disrupt MEGF10 protein function with a negative predictive value of 80%. In summary, the available evidence is currently insufficient to determine the role of this variant in disease. Therefore, it has been classified as a Variant of Uncertain Significance.

Ambry Genetics
Classification: Uncertain significance for Inborn genetic diseases. Last evaluated: 2025-06-18. Review status: criteria provided, single submitter. Criteria: Ambry Variant Classification Scheme 2023. Collection method: clinical testing. Allele origin: germline.